The following is an entry in ClinVar:

ClinVar aggregate classification (germline): Uncertain significance (1 of 4 stars; one submission).

Conditions:
Primary ciliary dyskinesia. Also called: Ciliary dyskinesia. Identifiers: Orphanet 244, MedGen C0008780, MONDO:0016575, HP:0012265.

Allele frequency attached by ClinVar (database versions not stated): ExAC 0.00001; gnomAD 0.00001; 1000 Genomes Project 30x 0.00016; 1000 Genomes Project 0.00020.
gnomAD v4.1: 6 of 1,591,998 alleles (0.00038%); highest among the groups gnomAD compares: South Asian, 0.0011%; no homozygotes.

Submission:

Labcorp Genetics (formerly Invitae), Labcorp
Classification: Uncertain significance for Primary ciliary dyskinesia. Last evaluated: 2022-07-15. Review status: criteria provided, single submitter. Criteria: Invitae Variant Classification Sherloc (09022015). Collection method: clinical testing. Allele origin: germline.
Comment: In summary, the available evidence is currently insufficient to determine the role of this variant in disease. Therefore, it has been classified as a Variant of Uncertain Significance. Algorithms developed to predict the effect of missense changes on protein structure and function are either unavailable or do not agree on the potential impact of this missense change (SIFT: "Deleterious"; PolyPhen-2: "Not Available"; Align-GVGD: "Class C0"). This sequence change replaces serine, which is neutral and polar, with phenylalanine, which is neutral and non-polar, at codon 1098 of the DNAH8 protein (p.Ser1098Phe). This variant is present in population databases (rs553578959, gnomAD 0.003%). This variant has not been reported in the literature in individuals affected with DNAH8-related conditions.

NM_001206927.2(DNAH8):c.3293C>T (p.Ser1098Phe)

Gene: DNAH8 (dynein axonemal heavy chain 8; plus strand). Cytogenetic location: 6p21.2.
Variant type: single nucleotide variant.
Coding change: c.3293C>T on transcript NM_001206927.2 (MANE Select); coding-DNA position 3293, C replaced by T.
Protein change: p.Ser1098Phe; replaces serine 1098 with phenylalanine.
Molecular consequence: missense variant.
Genome position (GRCh38, 1-based): chr6:38,814,089, C>T. VCF-style: chr6-38814089-C-T. GRCh37 (hg19) VCF-style: chr6-38781865-C-T.
Other names: c.2642C>T, p.Ser881Phe (NM_001371.4); short protein forms S881F, S1098F.
Identifiers: ClinVar variation 1930966 (VCV001930966.5), dbSNP rs553578959, ClinGen allele CA3788793.